The following is an entry in ClinVar:

ClinVar aggregate classification (germline): Uncertain significance (1 of 4 stars; one submission).

Conditions:
RASopathy. Also called: rasopathies; Noonan spectrum disorder. Identifiers: Orphanet 536391, MedGen C5555857, MONDO:0021060.

gnomAD v4.1: 5 of 1,614,066 alleles (0.00031%); highest among the groups gnomAD compares: Non-Finnish European, 0.00042%; no homozygotes.

Submission:

Labcorp Genetics (formerly Invitae), Labcorp
Classification: Uncertain significance for RASopathy. Last evaluated: 2024-08-21. Review status: criteria provided, single submitter. Criteria: Invitae Variant Classification Sherloc (09022015). Collection method: clinical testing. Allele origin: germline.
Comment: This sequence change replaces leucine, which is neutral and non-polar, with phenylalanine, which is neutral and non-polar, at codon 375 of the MAP2K1 protein (p.Leu375Phe). This variant is not present in population databases (gnomAD no frequency). This variant has not been reported in the literature in individuals affected with MAP2K1-related conditions. Invitae Evidence Modeling of protein sequence and biophysical properties (such as structural, functional, and spatial information, amino acid conservation, physicochemical variation, residue mobility, and thermodynamic stability) indicates that this missense variant is not expected to disrupt MAP2K1 protein function with a negative predictive value of 80%. Algorithms developed to predict the effect of sequence changes on RNA splicing suggest that this variant may create or strengthen a splice site. In summary, the available evidence is currently insufficient to determine the role of this variant in disease. Therefore, it has been classified as a Variant of Uncertain Significance.

NM_002755.4(MAP2K1):c.1123C>T (p.Leu375Phe)

Genes: MAP2K1 (mitogen-activated protein kinase kinase 1; plus strand), SNAPC5 (small nuclear RNA activating complex polypeptide 5; minus strand). Cytogenetic location: 15q22.31.
Variant type: single nucleotide variant.
Coding change: c.1123C>T on transcript NM_002755.4 (MANE Select); coding-DNA position 1123, C replaced by T.
Protein change: p.Leu375Phe; replaces leucine 375 with phenylalanine.
Molecular consequence: missense variant. On other transcripts: 3 prime UTR variant (1), non-coding transcript variant (1).
Genome position (GRCh38, 1-based): chr15:66,490,556, C>T. VCF-style: chr15-66490556-C-T. GRCh37 (hg19) VCF-style: chr15-66782894-C-T.
Other names: c.*183G>A (NM_006049.4); c.979C>T, p.Leu327Phe (NM_001411065.1); short protein forms L375F, L327F.
Identifiers: ClinVar variation 3728538 (VCV003728538.2).